The following is an entry in ClinVar:

NM_000038.6(APC):c.505_507del (p.Ile169del)

Gene: APC (APC regulator of Wnt signaling pathway; plus strand). Cytogenetic location: 5q22.2.
Variant type: Deletion.
Coding change: c.505_507del on transcript NM_000038.6 (MANE Select); coding-DNA positions 505 to 507, 3 bases deleted (ATA; older notation c.505_507delATA).
Protein change: p.Ile169del; deletes isoleucine 169.
Molecular consequence: inframe deletion. On other transcripts: 5 prime UTR variant (1).
Genome position (GRCh38, 1-based): chr5:112,775,711-112,775,713, ATA deleted; deleting any 3 consecutive bases within chr5:112,775,710-112,775,713 gives the same sequence; the c. name uses the placement nearest the transcript's 3' end. VCF-style (leftmost placement, unchanged base first): chr5-112775709-GAAT-G. GRCh37 (hg19) VCF-style: chr5-112111406-GAAT-G.
Other names: c.505_507del, p.Ile169del (NM_001127510.3, NM_001354895.2, NM_001354896.2 and 2 more transcripts); c.535_537del, p.Ile179del (NM_001127511.3, NM_001354897.2, NM_001354902.2); c.430_432del, p.Ile144del (NM_001354898.2, NM_001354904.2); c.328_330del, p.Ile110del (NM_001354900.2, NM_001354901.2, NM_001354905.2); c.-531_-529del (NM_001354906.2); short protein forms I169del, I179del, I110del, I144del.
Identifiers: ClinVar variation 1509644 (VCV001509644.6), dbSNP rs2149615825, ClinGen allele CA2573138629.

ClinVar aggregate classification (germline): Uncertain significance (1 of 4 stars; one submission).

Conditions:
Familial adenomatous polyposis 1 (FAP1). Also called: FAMILIAL ADENOMATOUS POLYPOSIS 1, ATTENUATED; POLYPOSIS, ADENOMATOUS INTESTINAL. Identifiers: MedGen C2713442, MONDO:0021056, OMIM 175100. Disease mechanism: loss of function.

Submission:

Labcorp Genetics (formerly Invitae), Labcorp
Classification: Uncertain significance for Familial adenomatous polyposis 1. Last evaluated: 2021-08-04. Review status: criteria provided, single submitter. Criteria: Invitae Variant Classification Sherloc (09022015). Collection method: clinical testing. Allele origin: germline.
Comment: This variant, c.505_507del, results in the deletion of 1 amino acid(s) of the APC protein (p.Ile169del), but otherwise preserves the integrity of the reading frame. This variant is not present in population databases (ExAC no frequency). This variant has not been reported in the literature in individuals affected with APC-related conditions. Experimental studies and prediction algorithms are not available or were not evaluated, and the functional significance of this variant is currently unknown. In summary, the available evidence is currently insufficient to determine the role of this variant in disease. Therefore, it has been classified as a Variant of Uncertain Significance.